The following is an entry in ClinVar:

ClinVar aggregate classification (germline): Uncertain significance. Review status: criteria provided, multiple submitters, no conflicts (2 of 4 stars). 3 submissions from 3 submitters: Uncertain significance (3). Last evaluated 2026-01-06.

Conditions:
Inborn genetic diseases. Identifiers: MedGen C0950123, MeSH D030342.
Hereditary motor and sensory neuropathy, Okinawa type (HMSNO). Also called: HEREDITARY MOTOR AND SENSORY NEUROPATHY, PROXIMAL TYPE. Identifiers: Orphanet 90117, MedGen C1858338, MONDO:0011468, OMIM 604484.
Hereditary spastic paraplegia 57. Also called: Spastic paraplegia 57, autosomal recessive. Identifiers: Orphanet 431329, MedGen C3714897, MONDO:0014295, OMIM 615658.

Allele frequency attached by ClinVar (database versions not stated): gnomAD exomes 0.00001; ExAC 0.00002; TOPMed 0.00005; ESP Exome Variant Server 0.00015; 1000 Genomes Project 30x 0.00016; 1000 Genomes Project 0.00020.
gnomAD v4.1: 26 of 1,613,950 alleles (0.0016%); highest among the groups gnomAD compares: African/African-American, 0.013%; no homozygotes.

Submissions (3):

Labcorp Genetics (formerly Invitae), Labcorp
Classification: Uncertain significance for Hereditary motor and sensory neuropathy, Okinawa type; Hereditary spastic paraplegia 57. Last evaluated: 2026-01-06. Review status: criteria provided, single submitter. Criteria: Invitae Variant Classification Sherloc (09022015). Collection method: clinical testing. Allele origin: germline.
Comment: This sequence change replaces valine, which is neutral and non-polar, with isoleucine, which is neutral and non-polar, at codon 222 of the TFG protein (p.Val222Ile). This variant is present in population databases (rs144368144, gnomAD 0.008%). This variant has not been reported in the literature in individuals affected with TFG-related conditions. ClinVar contains an entry for this variant (Variation ID: 855052). Invitae Evidence Modeling of protein sequence and biophysical properties (such as structural, functional, and spatial information, amino acid conservation, physicochemical variation, residue mobility, and thermodynamic stability) indicates that this missense variant is not expected to disrupt TFG protein function with a negative predictive value of 80%. In summary, the available evidence is currently insufficient to determine the role of this variant in disease. Therefore, it has been classified as a Variant of Uncertain Significance.

GeneDx
Classification: Uncertain significance. Last evaluated: 2024-07-24. Review status: criteria provided, single submitter. Criteria: GeneDx Variant Classification Process June 2021. Collection method: clinical testing. Allele origin: germline.
Comment: In silico analysis indicates that this missense variant does not alter protein structure/function; Has not been previously published as pathogenic or benign to our knowledge

Ambry Genetics
Classification: Uncertain significance for Inborn genetic diseases. Last evaluated: 2024-02-26. Review status: criteria provided, single submitter. Criteria: Ambry Variant Classification Scheme 2023. Collection method: clinical testing. Allele origin: germline.

NM_006070.6(TFG):c.664G>A (p.Val222Ile)

Gene: TFG (trafficking from ER to golgi regulator; plus strand). Cytogenetic location: 3q12.2.
Variant type: single nucleotide variant.
Coding change: c.664G>A on transcript NM_006070.6 (MANE Select); coding-DNA position 664, G replaced by A.
Protein change: p.Val222Ile; replaces valine 222 with isoleucine.
Molecular consequence: missense variant.
Genome position (GRCh38, 1-based): chr3:100,736,659, G>A. VCF-style: chr3-100736659-G-A. GRCh37 (hg19) VCF-style: chr3-100455503-G-A.
Other names: c.664G>A, p.Val222Ile (NM_001007565.2, NM_001195478.2, NM_001195479.2); short protein forms V222I.
Identifiers: ClinVar variation 855052 (VCV000855052.13), dbSNP rs144368144, ClinGen allele CA2517147.